The following is an entry in ClinVar:

ClinVar aggregate classification (germline): Uncertain significance (1 of 4 stars; one submission).

Allele frequency attached by ClinVar (database versions not stated): gnomAD exomes below 0.00001.
gnomAD v4.1: 1 of 1,613,406 alleles (0.000062%); highest among the groups gnomAD compares: East Asian, 0.0022%; no homozygotes.

Submission:

Labcorp Genetics (formerly Invitae), Labcorp
Classification: Uncertain significance. Last evaluated: 2021-03-08. Review status: criteria provided, single submitter. Criteria: Invitae Variant Classification Sherloc (09022015). Collection method: clinical testing. Allele origin: germline.
Comment: This sequence change replaces glycine with arginine at codon 1889 of the MPDZ protein (p.Gly1889Arg). The glycine residue is highly conserved and there is a moderate physicochemical difference between glycine and arginine. This variant is not present in population databases (ExAC no frequency). This variant has not been reported in the literature in individuals with MPDZ-related conditions. Algorithms developed to predict the effect of missense changes on protein structure and function (SIFT, PolyPhen-2, Align-GVGD) all suggest that this variant is likely to be disruptive, but these predictions have not been confirmed by published functional studies and their clinical significance is uncertain. In summary, the available evidence is currently insufficient to determine the role of this variant in disease. Therefore, it has been classified as a Variant of Uncertain Significance.

NM_001378778.1(MPDZ):c.5752G>C (p.Gly1918Arg)

Gene: MPDZ (multiple PDZ domain crumbs cell polarity complex component; minus strand). Cytogenetic location: 9p23.
Variant type: single nucleotide variant.
Coding change: c.5752G>C on transcript NM_001378778.1 (MANE Select); coding-DNA position 5752, G replaced by C.
Protein change: p.Gly1918Arg; replaces glycine 1918 with arginine.
Molecular consequence: missense variant.
Genome position (GRCh38, 1-based): chr9:13,110,713, C>G on the plus strand (G>C on the coding strand, the complement: MPDZ is on the minus strand). VCF-style: chr9-13110713-C-G. GRCh37 (hg19) VCF-style: chr9-13110712-C-G.
Other names: c.5653G>C, p.Gly1885Arg (NM_001261406.2, NM_001375416.1, NM_001375417.1 and 1 more transcripts); c.5566G>C, p.Gly1856Arg (NM_001261407.2, NM_001375419.1); c.5752G>C, p.Gly1918Arg (NM_001330637.2); c.5851G>C, p.Gly1951Arg (NM_001375413.1); c.5542G>C, p.Gly1848Arg (NM_001375420.1, NM_001375421.1, NM_001375422.1 and 2 more transcripts); c.5455G>C, p.Gly1819Arg (NM_001375425.1, NM_001375426.1); c.5344G>C, p.Gly1782Arg (NM_001375427.1); c.5665G>C, p.Gly1889Arg (NM_003829.5); short protein forms G1819R, G1848R, G1951R, G1782R, G1885R, G1889R, G1918R, G1856R.
Identifiers: ClinVar variation 1377288 (VCV001377288.8), dbSNP rs1360738650, ClinGen allele CA372940644.